The following is an entry in ClinVar:

ClinVar aggregate classification (germline): Pathogenic/Likely pathogenic. Review status: criteria provided, multiple submitters, no conflicts (2 of 4 stars). 8 submissions from 8 submitters: Pathogenic (6); Likely pathogenic (2). Last evaluated 2025-04-19.

Conditions:
Joubert syndrome 3 (JBTS3). Also called: AHI1-related Ciliopathy. Identifiers: Orphanet 220493, MedGen C1837713, MONDO:0012078, OMIM 608629.
Joubert syndrome. Also called: Familial aplasia of the vermis; JOUBERT-BOLTSHAUSER SYNDROME. Identifiers: Orphanet 475, MedGen C5979921, MONDO:0018772.
AHI1-related disorder. Also called: AHI1-related condition.

Submissions (8):

Labcorp Genetics (formerly Invitae), Labcorp
Classification: Pathogenic for Joubert syndrome. Last evaluated: 2025-04-19. Review status: criteria provided, single submitter. Criteria: Invitae Variant Classification Sherloc (09022015). Collection method: clinical testing. Allele origin: germline.
Comment: This sequence change creates a premature translational stop signal (p.Lys600Thrfs*5) in the AHI1 gene. It is expected to result in an absent or disrupted protein product. Loss-of-function variants in AHI1 are known to be pathogenic (PMID: 15322546, 16453322, 28442542, 29186038). This variant is not present in population databases (gnomAD no frequency). This variant has not been reported in the literature in individuals affected with AHI1-related conditions. ClinVar contains an entry for this variant (Variation ID: 1370876). For these reasons, this variant has been classified as Pathogenic.

Fulgent Genetics
Classification: Likely pathogenic for Joubert syndrome 3. Last evaluated: 2024-05-09. Review status: criteria provided, single submitter. Criteria: ACMG Guidelines, 2015. Collection method: clinical testing. Allele origin: germline.

3billion
Classification: Pathogenic for Joubert syndrome 3. Last evaluated: 2023-02-23. Review status: criteria provided, single submitter. Criteria: ACMG Guidelines, 2015. Collection method: clinical testing. Allele origin: unknown. Affected: yes.
Comment: The variant is not observed in the gnomAD v2.1.1 dataset. This homozygous variant was predicted to result in a loss or disruption of normal protein function through nonsense-mediated decay (NMD) or protein truncation. Multiple pathogenic variants are reported downstream of the variant. The variant has been reported at least twice as pathogenic without evidence for the classification (ClinVar ID: VCV001370876 / PMID: 29390414). Therefore, this variant is classified as Pathogenic according to the recommendation of ACMG/AMP guideline.

Blueprint Genetics
Classification: Likely pathogenic for AHI1-related disorders. Last evaluated: 2022-06-06. Review status: criteria provided, single submitter. Criteria: ACMG Guidelines, 2015. Collection method: clinical testing. Allele origin: germline. Affected: yes. Observed: 1 variant allele.

Broad Center for Mendelian Genomics, Broad Institute of MIT and Harvard
Classification: Pathogenic for Joubert syndrome 3. Last evaluated: 2022-05-04. Review status: criteria provided, single submitter. Criteria: ACMG Guidelines, 2015. Collection method: curation. Allele origin: germline. Inheritance: Autosomal recessive inheritance.
Comment: The variant has not been previously reported in individuals with Joubert syndrome 3 and was absent from large population studies. This variant is predicted to cause a frameshift, which alters the protein’s amino acid sequence beginning at position 600 and leads to a premature termination codon 5 amino acids downstream. This alteration is then predicted to lead to a truncated or absent protein. Loss of function of the AHI1 gene is an established disease mechanism in autosomal recessive Joubert syndrome 3. The presence of this variant in 1 affected homozygote increases the likelihood that the p.Lys600ThrfsTer5 variant is pathogenic. In summary, this variant meets criteria to be classified as pathogenic for Joubert syndrome 3 in an autosomal recessive manner based on the predicted loss of function effect of the variant and presence of this variant in homozygosity in an affected individual. ACMG/AMP Criteria applied: PVS1, PM2, PM3_supporting (Richards 2015).

Juno Genomics, Hangzhou Juno Genomics, Inc
Classification: Pathogenic for Joubert syndrome 3. Review status: criteria provided, single submitter. Criteria: ACMG Guidelines, 2015. Collection method: clinical testing. Allele origin: germline.
Comment: Absent from controls (or at extremely low frequency if recessive) in Genome Aggregation Database.;Null variant in a gene where loss of function (LOF) is a known mechanism of disease.;For recessive disorders, detected in trans with a pathogenic variant.;Patient's phenotype or family history is highly specific for a disease with a single genetic etiology.

Kasturba Medical College, Manipal, Kasturba Medical College, Manipal, Manipal Academy of Higher Education, Manipal, India
Classification: Pathogenic for Joubert syndrome 3. Review status: criteria provided, single submitter. Criteria: ACMG Guidelines, 2015. Collection method: clinical testing. Allele origin: biparental. Inheritance: Autosomal recessive inheritance. Affected: yes. Observed: 1 homozygote.
Comment: In-silico prediction tools (MutationTaster and SIFT Indel) are consistent in predicting the variant to be damaging to AHI1 protein function. This variant is predicted to cause shift in the reading frame of the transcript which will either lead to the nonsense-mediated mRNA decay or formation of a truncated protein product. The variant c.1799_1802del has been reported as likely pathogenic/pathogenic variant by four submitters in the ClinVar database in individuals with Joubert syndrome (ClinVar ID: 1370876; Zhu et al., 2017).

Suma Genomics
Classification: Pathogenic for Joubert syndrome 3. Review status: criteria provided, single submitter. Criteria: ACMG Guidelines, 2015. Collection method: clinical testing. Allele origin: inherited. Inheritance: Autosomal recessive inheritance. Affected: yes.

Literature cited by the submitters: PubMed 15322546 (cited by Labcorp Genetics (formerly Invitae), Labcorp); PubMed 16453322 (cited by Labcorp Genetics (formerly Invitae), Labcorp); PubMed 28442542 (cited by Labcorp Genetics (formerly Invitae), Labcorp); PubMed 29186038 (cited by Labcorp Genetics (formerly Invitae), Labcorp); PubMed 29390414 (cited by 3billion).

NM_001134831.2(AHI1):c.1799_1802del (p.Lys600fs)

Gene: AHI1 (Abelson helper integration site 1; minus strand). Cytogenetic location: 6q23.3.
Variant type: Microsatellite.
Coding change: c.1799_1802del on transcript NM_001134831.2 (MANE Select); coding-DNA positions 1799 to 1802, 4 bases deleted (AACA; older notation c.1799_1802delAACA).
Protein change: p.Lys600fs; shifts the reading frame from lysine 600.
Molecular consequence: frameshift variant.
Genome position (GRCh38, 1-based): chr6:135,442,692-135,442,695, TGTT deleted on the plus strand (AACA on the coding strand, the reverse complement: AHI1 is on the minus strand); deleting any 4 consecutive bases within chr6:135,442,692-135,442,701 gives the same sequence; the c. name uses the placement nearest the transcript's 3' end. VCF-style (leftmost placement, unchanged base first): chr6-135442691-GTGTT-G. GRCh37 (hg19) VCF-style: chr6-135763829-GTGTT-G.
Other names: NM_001134831.2:c.1799_1802del; c.1799_1802del, p.Lys600fs (NM_001134830.2, NM_001134832.2, NM_001350503.2 and 2 more transcripts); short protein forms K600fs.
Identifiers: ClinVar variation 1370876 (VCV001370876.16), dbSNP rs1786504555, ClinGen allele CA916079894.